The following is an entry in ClinVar:

ClinVar aggregate classification (germline): Likely benign. Review status: criteria provided, multiple submitters, no conflicts (2 of 4 stars). 3 submissions from 3 submitters: Likely benign (3). Last evaluated 2025-05-16.

Conditions:
Tuberous sclerosis 2 (TSC2). Identifiers: Orphanet 805, MedGen C1860707, MONDO:0013199, OMIM 613254.

Allele frequency attached by ClinVar (database versions not stated): gnomAD exomes below 0.00001; ExAC 0.00001; gnomAD 0.00001.

Submissions (3):

Myriad Genetics, Inc.
Classification: Likely benign for Tuberous sclerosis 2. Last evaluated: 2025-05-16. Review status: criteria provided, single submitter. Criteria: Myriad Autosomal Dominant, Autosomal Recessive and X-Linked Classification Criteria (2023). Collection method: clinical testing. Allele origin: unknown.
Comment: This variant is considered likely benign. This variant is intronic and is not expected to impact mRNA splicing.

Labcorp Genetics (formerly Invitae), Labcorp
Classification: Likely benign for Tuberous sclerosis 2. Last evaluated: 2025-01-29. Review status: criteria provided, single submitter. Criteria: Invitae Variant Classification Sherloc (09022015). Collection method: clinical testing. Allele origin: germline.

Blueprint Genetics
Classification: Likely benign. Last evaluated: 2024-06-24. Review status: criteria provided, single submitter. Criteria: ACMG Guidelines, 2015. Collection method: clinical testing. Allele origin: germline.

NM_000548.5(TSC2):c.1947-19G>C

Gene: TSC2 (TSC complex subunit 2; plus strand). Cytogenetic location: 16p13.3.
Variant type: single nucleotide variant.
Coding change: c.1947-19G>C on transcript NM_000548.5 (MANE Select); 19 bases into the intron before coding-DNA position 1947, G replaced by C.
Molecular consequence: intron variant.
Genome position (GRCh38, 1-based): chr16:2,071,765, G>C. VCF-style: chr16-2071765-G-C. GRCh37 (hg19) VCF-style: chr16-2121766-G-C.
Other names: c.1947-19G>C (NM_001114382.3, NM_021055.3, NM_001370405.1 and 3 more transcripts); c.1836-19G>C (NM_001318827.2); c.1347-19G>C (NM_001318831.2); c.1800-19G>C (NM_001318829.2); c.1980-19G>C (NM_001318832.2).
Identifiers: ClinVar variation 1590689 (VCV001590689.10), dbSNP rs748855035, ClinGen allele CA035043.